The following is an entry in ClinVar:

NM_001127222.2(CACNA1A):c.689G>T (p.Gly230Val)

Gene: CACNA1A (calcium voltage-gated channel subunit alpha1 A; minus strand). Cytogenetic location: 19p13.13.
Variant type: single nucleotide variant.
Coding change: c.689G>T on transcript NM_001127222.2 (MANE Select); coding-DNA position 689, G replaced by T.
Protein change: p.Gly230Val; replaces glycine 230 with valine.
Molecular consequence: missense variant.
Genome position (GRCh38, 1-based): chr19:13,365,412, C>A on the plus strand (G>T on the coding strand, the complement: CACNA1A is on the minus strand). VCF-style: chr19-13365412-C-A. GRCh37 (hg19) VCF-style: chr19-13476226-C-A.
Other names: c.689G>T, p.Gly230Val (NM_000068.4, NM_001127221.2, NM_001174080.2 and 1 more transcripts); short protein forms G230V.
Identifiers: ClinVar variation 560966 (VCV000560966.4), dbSNP rs1568574634, ClinGen allele CA404348558.

ClinVar aggregate classification (germline): Conflicting classifications of pathogenicity. Review status: criteria provided, conflicting classifications (1 of 4 stars). 3 submissions from 3 submitters: Pathogenic (1); Likely pathogenic (1); Uncertain significance (1). Last evaluated 2025-01-31.

Conditions:
Developmental and epileptic encephalopathy, 42 (DEE42A). Also called: DEVELOPMENTAL AND EPILEPTIC ENCEPHALOPATHY 42A; EPILEPTIC ENCEPHALOPATHY, EARLY INFANTILE, 42A; Epileptic encephalopathy, early infantile, 42. Identifiers: MedGen C4310716, MONDO:0014917, OMIM 617106.
Migraine, familial hemiplegic, 1. Also called: MIGRAINE, FAMILIAL HEMIPLEGIC 1, WITH PROGRESSIVE CEREBELLAR ATAXIA. Identifiers: Orphanet 569, MedGen C1832884, MONDO:0020756, OMIM 141500, MONDO:0007714.

Submissions (3):

GeneDx
Classification: Pathogenic. Last evaluated: 2025-01-31. Review status: criteria provided, single submitter. Criteria: GeneDx Variant Classification Process June 2021. Collection method: clinical testing. Allele origin: germline. Affected: yes.
Comment: Published functional studies demonstrate a damaging effect on current density, intracellular localization and trafficking, indicating a loss of function effect (PMID: 31468518); Not observed at significant frequency in large population cohorts (gnomAD); In silico analysis supports that this missense variant has a deleterious effect on protein structure/function; This variant is associated with the following publications: (PMID: 37422902, 35219921, 25326635, 34068417, 31468518)

Women's Health and Genetics/Laboratory Corporation of America, LabCorp
Classification: Likely pathogenic for Developmental and epileptic encephalopathy, 42. Last evaluated: 2024-11-19. Review status: criteria provided, single submitter. Criteria: LabCorp Variant Classification Summary - May 2015. Collection method: clinical testing. Allele origin: germline.
Comment: Variant summary: CACNA1A c.689G>T (p.Gly230Val) results in a non-conservative amino acid change located in the Ion transport protein domain (IPR005821) of the encoded protein sequence. Five of five in-silico tools predict a damaging effect of the variant on protein function. The variant was absent in 249000 control chromosomes (gnomAD). c.689G>T has been reported in the literature in at least one individual affected with Epileptic Encephalopathy and observed as de novo (Jiang_2019). At least one publication reports experimental evidence evaluating an impact on protein function and this variant results in loss of function effects with reduced whole cell current densities and decreased channel expression at the cell membrane (Jiang_2019). The following publications have been ascertained in the context of this evaluation (PMID: 31468518, 35600082, 34068417, 37422902). ClinVar contains an entry for this variant (Variation ID: 560966). Based on the evidence outlined above, the variant was classified as likely pathogenic.

Baylor Genetics
Classification: Uncertain significance for Migraine, familial hemiplegic, 1. Last evaluated: 2017-09-01. Review status: criteria provided, single submitter. Criteria: ACMG Guidelines, 2015. Collection method: clinical testing. Allele origin: de novo. Inheritance: Autosomal dominant inheritance. Affected: yes.

Literature cited by the submitters: PubMed 35600082 (cited by Women's Health and Genetics/Laboratory Corporation of America, LabCorp); PubMed 31468518 (cited by Women's Health and Genetics/Laboratory Corporation of America, LabCorp); PubMed 34068417 (cited by Women's Health and Genetics/Laboratory Corporation of America, LabCorp); PubMed 37422902 (cited by Women's Health and Genetics/Laboratory Corporation of America, LabCorp); PubMed 25326635 (cited by Baylor Genetics).